The following is an entry in ClinVar:

ClinVar aggregate classification (germline): Conflicting classifications of pathogenicity. Review status: criteria provided, conflicting classifications (1 of 4 stars). 2 submissions from 2 submitters: Uncertain significance (1); Likely benign (1). Last evaluated 2024-03-21.

Conditions:
Inborn genetic diseases. Identifiers: MedGen C0950123, MeSH D030342.
Charcot-Marie-Tooth disease dominant intermediate F. Identifiers: Orphanet 352670, MedGen C4749463, MONDO:0014074, OMIM 615185.

Allele frequency attached by ClinVar (database versions not stated): gnomAD 0.00001; TOPMed 0.00003.
gnomAD v4.1: 11 of 1,607,888 alleles (0.00068%); highest among the groups gnomAD compares: African/African-American, 0.0053%; no homozygotes.

Submissions (2):

Labcorp Genetics (formerly Invitae), Labcorp
Classification: Uncertain significance for Charcot-Marie-Tooth disease dominant intermediate F. Last evaluated: 2024-03-21. Review status: criteria provided, single submitter. Criteria: Invitae Variant Classification Sherloc (09022015). Collection method: clinical testing. Allele origin: germline.
Comment: This sequence change replaces methionine, which is neutral and non-polar, with leucine, which is neutral and non-polar, at codon 61 of the GNB4 protein (p.Met61Leu). This variant is present in population databases (rs764497524, gnomAD 0.003%). This variant has not been reported in the literature in individuals affected with GNB4-related conditions. ClinVar contains an entry for this variant (Variation ID: 1780732). Advanced modeling of protein sequence and biophysical properties (such as structural, functional, and spatial information, amino acid conservation, physicochemical variation, residue mobility, and thermodynamic stability) performed at Invitae indicates that this missense variant is not expected to disrupt GNB4 protein function with a negative predictive value of 80%. In summary, the available evidence is currently insufficient to determine the role of this variant in disease. Therefore, it has been classified as a Variant of Uncertain Significance.

Ambry Genetics
Classification: Likely benign for Inborn genetic diseases. Last evaluated: 2021-02-02. Review status: criteria provided, single submitter. Criteria: Ambry Variant Classification Scheme 2023. Collection method: clinical testing. Allele origin: germline.

NM_021629.4(GNB4):c.181A>T (p.Met61Leu)

Gene: GNB4 (G protein subunit beta 4; minus strand). Cytogenetic location: 3q26.33.
Variant type: single nucleotide variant.
Coding change: c.181A>T on transcript NM_021629.4 (MANE Select); coding-DNA position 181, A replaced by T.
Protein change: p.Met61Leu; replaces methionine 61 with leucine.
Molecular consequence: missense variant.
Genome position (GRCh38, 1-based): chr3:179,419,421, T>A on the plus strand (A>T on the coding strand, the complement: GNB4 is on the minus strand). VCF-style: chr3-179419421-T-A. GRCh37 (hg19) VCF-style: chr3-179137209-T-A.
Other names: short protein forms M61L.
Identifiers: ClinVar variation 1780732 (VCV001780732.5), dbSNP rs764497524, ClinGen allele CA2712561.